The following is an entry in ClinVar:

ClinVar aggregate classification (germline): Benign. Review status: criteria provided, multiple submitters, no conflicts (2 of 4 stars). 2 submissions from 2 submitters: Benign (2). Last evaluated 2018-01-13.

Conditions:
Retinitis pigmentosa (RP). Identifiers: Orphanet 791, MedGen C0035334, MeSH D012174, MONDO:0019200, OMIM 268000. Inheritance: Autosomal dominant, autosomal recessive and X linked inheritance.

Allele frequency attached by ClinVar (database versions not stated): gnomAD exomes 0.13612; gnomAD 0.29075 and 0.29150; TOPMed 0.30875; 1000 Genomes Project 0.33506; 1000 Genomes Project 30x 0.33510.
gnomAD v4.1: 44,686 of 153,658 alleles (29%); highest among the groups gnomAD compares: East Asian, 50%; 6,909 homozygotes.

Submissions (2):

Illumina Laboratory Services, Illumina
Classification: Benign for Retinitis pigmentosa. Last evaluated: 2018-01-13. Review status: criteria provided, single submitter. Criteria: ICSL Variant Classification Criteria 13 December 2019. Collection method: clinical testing. Allele origin: germline.
Comment: This variant was observed in the ICSL laboratory as part of a predisposition screen in an ostensibly healthy population. It had not been previously curated by ICSL or reported in the Human Gene Mutation Database (HGMD: prior to June 1st, 2018), and was therefore a candidate for classification through an automated scoring system. Utilizing variant allele frequency, disease prevalence and penetrance estimates, and inheritance mode, an automated score was calculated to assess if this variant is too frequent to cause the disease. Based on the score and internal cut-off values, a variant classified as benign is not then subjected to further curation. The score for this variant resulted in a classification of benign for this disease.

Breakthrough Genomics
Classification: Benign. Review status: criteria provided, single submitter. Criteria: ACMG Guidelines, 2015. Collection method: not provided. Allele origin: germline. Inheritance: Unknown mechanism. Affected: yes.

NM_001029883.3(PCARE):c.*830C>A

Gene: PCARE (photoreceptor cilium actin regulator; minus strand). Cytogenetic location: 2p23.2.
Variant type: single nucleotide variant.
Coding change: c.*830C>A on transcript NM_001029883.3 (MANE Select); 830 bases downstream of the stop codon, C replaced by A.
Molecular consequence: 3 prime UTR variant.
Genome position (GRCh38, 1-based): chr2:29,064,039, G>T on the plus strand (C>A on the coding strand, the complement: PCARE is on the minus strand). VCF-style: chr2-29064039-G-T. GRCh37 (hg19) VCF-style: chr2-29286905-G-T.
Identifiers: ClinVar variation 335621 (VCV000335621.6), dbSNP rs13016696, ClinGen allele CA10613589.
Genomic context (GRCh38, chr2:29,064,039, plus strand): 5'-GTTTACCCTACTCCGTCGAGAAGCATGTAATGCGTAGGGCAGTGAGAGCATTTGCTACAT[G>T]CTTAGGCCGAGAGGCAGCGTGGCTGGTATTGTGAGCTGTCAGCTTTAAGTTTACAGCATT-3'